The following is an entry in ClinVar:

NM_001287491.2(TET3):c.3161G>A (p.Arg1054His)

Gene: TET3 (tet methylcytosine dioxygenase 3; plus strand). Cytogenetic location: 2p13.1.
Variant type: single nucleotide variant.
Coding change: c.3161G>A on transcript NM_001287491.2 (MANE Select); coding-DNA position 3161, G replaced by A.
Protein change: p.Arg1054His; replaces arginine 1054 with histidine.
Molecular consequence: missense variant.
Genome position (GRCh38, 1-based): chr2:74,093,560, G>A. VCF-style: chr2-74093560-G-A. GRCh37 (hg19) VCF-style: chr2-74320687-G-A.
Other names: c.3161G>A (NM_001287491.1); c.2882G>A, p.Arg961His (NM_001366022.1); c.2756G>A, p.Arg919His (NM_144993.1); short protein forms R1054H, R919H, R961H.
Identifiers: ClinVar variation 3062131 (VCV003062131.2), dbSNP rs2467656544, ClinGen allele CA347312969.

ClinVar aggregate classification (germline): Uncertain significance. Review status: criteria provided, multiple submitters, no conflicts (2 of 4 stars). 2 submissions from 2 submitters: Uncertain significance (2). Last evaluated 2024-05-01.

Conditions:
Beck-Fahrner syndrome (BEFAHRS). Identifiers: Orphanet 684216, MedGen C5394097, MONDO:0032922, OMIM 618798.

Allele frequency attached by ClinVar (database versions not stated): gnomAD exomes below 0.00001.
gnomAD v4.1: 1 of 1,613,074 alleles (0.000062%); highest among the groups gnomAD compares: Non-Finnish European, 0.000085%; no homozygotes.

Submissions (2):

GeneDx
Classification: Uncertain significance. Last evaluated: 2024-05-01. Review status: criteria provided, single submitter. Criteria: GeneDx Variant Classification Process June 2021. Collection method: clinical testing. Allele origin: germline. Affected: yes.
Comment: Not observed at significant frequency in large population cohorts (gnomAD); In silico analysis supports that this missense variant has a deleterious effect on protein structure/function; Has not been previously published as pathogenic or benign to our knowledge

Illumina Laboratory Services, Illumina
Classification: Uncertain significance for Beck-Fahrner syndrome. Last evaluated: 2021-02-18. Review status: criteria provided, single submitter. Criteria: ICSLVariantClassificationCriteria RUGD 01 April 2020. Collection method: clinical testing. Allele origin: unknown.
Comment: The TET3 c.3161G>A p.(Arg1054His) missense variant has not, to our knowledge, been reported in the peer-reviewed literature. This variant is not observed in version 2.1.1 of the Genome Aggregation Database. Based on the limited evidence, the c.3161G>A p.(Arg1054His) variant is classified as a variant of uncertain significance for Beck-Fahrner syndrome.